The following is an entry in ClinVar:

ClinVar aggregate classification (germline): Benign (1 of 4 stars; one submission).

Allele frequency attached by ClinVar (database versions not stated): gnomAD 0.12911 and 0.13374; TOPMed 0.13152; 1000 Genomes Project 30x 0.15928; 1000 Genomes Project 0.16234.
gnomAD v4.1: 20,197 of 151,782 alleles (13%); highest among the groups gnomAD compares: East Asian, 33%; 1,696 homozygotes.

Submission:

GeneDx
Classification: Benign. Last evaluated: 2018-06-18. Review status: criteria provided, single submitter. Criteria: GeneDx Variant Classification (06012015). Collection method: clinical testing. Allele origin: germline. Affected: yes.
Comment: This variant is considered likely benign or benign based on one or more of the following criteria: it is a conservative change, it occurs at a poorly conserved position in the protein, it is predicted to be benign by multiple in silico algorithms, and/or has population frequency not consistent with disease.

NM_001165963.4(SCN1A):c.965-310G>C

Gene: SCN1A (sodium voltage-gated channel alpha subunit 1; minus strand). Cytogenetic location: 2q24.3.
Variant type: single nucleotide variant.
Coding change: c.965-310G>C on transcript NM_001165963.4 (MANE Select); 310 bases into the intron before coding-DNA position 965, G replaced by C.
Molecular consequence: intron variant.
Genome position (GRCh38, 1-based): chr2:166,049,259, C>G on the plus strand (G>C on the coding strand, the complement: SCN1A is on the minus strand). VCF-style: chr2-166049259-C-G. GRCh37 (hg19) VCF-style: chr2-166905769-C-G.
Other names: c.965-310G>C (NM_001353949.2, NM_001353958.2, NM_001353950.2 and 10 more transcripts); c.-1461-310G>C (NM_001353961.2).
Identifiers: ClinVar variation 668823 (VCV000668823.1), dbSNP rs994398, ClinGen allele CA11342027.